The following is an entry in ClinVar:

NM_213655.5(WNK1):c.2668A>G (p.Thr890Ala)

Gene: WNK1 (WNK lysine deficient protein kinase 1; plus strand). Cytogenetic location: 12p13.33.
Variant type: single nucleotide variant.
Coding change: c.2668A>G on transcript NM_213655.5 (MANE Plus Clinical); coding-DNA position 2668, A replaced by G.
Protein change: p.Thr890Ala; replaces threonine 890 with alanine.
Molecular consequence: missense variant. On other transcripts: intron variant (2).
Genome position (GRCh38, 1-based): chr12:868,139, A>G. VCF-style: chr12-868139-A-G. GRCh37 (hg19) VCF-style: chr12-977305-A-G.
Other names: c.2413A>G, p.Thr805Ala (NM_001184985.2); c.2140-3126A>G (NM_018979.4, NM_014823.3); short protein forms T805A, T890A.
Identifiers: ClinVar variation 1060386 (VCV001060386.9), dbSNP rs375911794, ClinGen allele CA6382222.
Genomic context (GRCh38, chr12:868,139, plus strand): 5'-CTTCCACCTGGTGGCAGCCCAACTAACTGGACACCAGAGGCCGTAGTTATGTTGGGTACT[A>G]CAGCCAGTAGAGTAACTGGAGAGTCATGTGAGATACAGGTCCATCCTATGTTTGAACCAT-3'
Protein context (NP_998820.3, residues 880-900): TPEAVVMLGT[Thr890Ala]ASRVTGESCE

ClinVar aggregate classification (germline): Uncertain significance (1 of 4 stars; one submission).

Conditions:
Neuropathy, hereditary sensory and autonomic, type 2A (HSAN2A). Also called: MORVAN DISEASE; NEUROPATHY, CONGENITAL SENSORY; NEUROPATHY, HEREDITARY SENSORY RADICULAR, AUTOSOMAL RECESSIVE; NEUROPATHY, HEREDITARY SENSORY, TYPE IIA; NEUROPATHY, PROGRESSIVE SENSORY, OF CHILDREN; WNK1-Related HSAN2 (HSAN2A). Identifiers: Orphanet 970, MedGen C2752089, MONDO:0024309, OMIM 201300.
Pseudohypoaldosteronism type 2C (PHA2C). Also called: Pseudohypoaldosteronism Type IIC. Identifiers: Orphanet 757, Orphanet 88940, MedGen C1840391, MONDO:0013778, OMIM 614492.

Allele frequency attached by ClinVar (database versions not stated): gnomAD exomes 0.00001; gnomAD 0.00007 and 0.00008; ESP Exome Variant Server 0.00008; TOPMed 0.00013.
gnomAD v4.1: 26 of 1,613,600 alleles (0.0016%); highest among the groups gnomAD compares: African/African-American, 0.031%; no homozygotes.

Submission:

Labcorp Genetics (formerly Invitae), Labcorp
Classification: Uncertain significance for Neuropathy, hereditary sensory and autonomic, type 2A; Pseudohypoaldosteronism type 2C. Last evaluated: 2025-06-12. Review status: criteria provided, single submitter. Criteria: Invitae Variant Classification Sherloc (09022015). Collection method: clinical testing. Allele origin: germline.
Comment: This sequence change replaces threonine, which is neutral and polar, with alanine, which is neutral and non-polar, at codon 890 of the WNK1 protein (p.Thr890Ala). This variant is present in population databases (rs375911794, gnomAD 0.03%). This variant has not been reported in the literature in individuals affected with WNK1-related conditions. ClinVar contains an entry for this variant (Variation ID: 1060386). Invitae Evidence Modeling of protein sequence and biophysical properties (such as structural, functional, and spatial information, amino acid conservation, physicochemical variation, residue mobility, and thermodynamic stability) indicates that this missense variant is not expected to disrupt WNK1 protein function with a negative predictive value of 95%. In summary, the available evidence is currently insufficient to determine the role of this variant in disease. Therefore, it has been classified as a Variant of Uncertain Significance.